The following is an entry in ClinVar:

ClinVar aggregate classification (germline): Pathogenic. Review status: criteria provided, multiple submitters, no conflicts (2 of 4 stars). 2 submissions from 2 submitters: Pathogenic (2). Last evaluated 2025-09-25.

Conditions:
Hereditary spastic paraplegia 11. Also called: SPASTIC PARAPLEGIA, AUTOSOMAL RECESSIVE, COMPLICATED, WITH THIN CORPUS CALLOSUM; SPASTIC PARAPLEGIA, AUTOSOMAL RECESSIVE, WITH MENTAL IMPAIRMENT AND THIN CORPUS CALLOSUM; Spastic paraplegia, mental retardation and thin corpus callosum; Spastic Paraplegia 11; Nakamura Osame syndrome; Autosomal recessive hereditary spastic paraplegia, mental impairment, and thin corpus callosum. Identifiers: Orphanet 2822, MedGen C1858479, MONDO:0011445, OMIM 604360.

Allele frequency attached by ClinVar (database versions not stated): ExAC 0.00002; gnomAD exomes 0.00001; gnomAD 0.00001.
gnomAD v4.1: 6 of 1,613,504 alleles (0.00037%); highest among the groups gnomAD compares: Middle Eastern, 0.016%; no homozygotes.

Submissions (2):

Variantyx, Inc.
Classification: Pathogenic for Hereditary spastic paraplegia 11. Last evaluated: 2025-09-25. Review status: criteria provided, single submitter. Criteria: Variantyx Assertion Criteria 2022. Collection method: clinical testing. Allele origin: germline. Inheritance: Autosomal recessive inheritance. Affected: yes.
Comment: This is a nonsense variant in the SPG11 gene (OMIM: 610844). Pathogenic variants in this gene have been associated with autosomal recessive spastic paraplegia 11. This variant introduces a premature termination codon in exon 17 out of 40 and is expected to result in loss of function, which is a known disease mechanism for SPG11 in this disorder (PMID: 19105190, 20110243, 22154821, 26556829) (PVS1). This variant has been reported in the homozygous or compound heterozygous state in at least 2 unrelated affected individuals (PMID: 20571989, 26183056) (PM3). This variant has a 0.0013% maximum allele frequency in non-founder control populations (PM2). Based on the current evidence, this variant is classified as pathogenic for autosomal recessive spastic paraplegia 11.

Labcorp Genetics (formerly Invitae), Labcorp
Classification: Pathogenic for Hereditary spastic paraplegia 11. Last evaluated: 2023-06-04. Review status: criteria provided, single submitter. Criteria: Invitae Variant Classification Sherloc (09022015). Collection method: clinical testing. Allele origin: germline.
Comment: This premature translational stop signal has been observed in individuals with hereditary spastic paraplegia (PMID: 20571989, 26064709, 26183056). For these reasons, this variant has been classified as Pathogenic. Algorithms developed to predict the effect of sequence changes on RNA splicing suggest that this variant may disrupt the consensus splice site. ClinVar contains an entry for this variant (Variation ID: 639667). This variant is present in population databases (rs771813705, gnomAD 0.004%). This sequence change creates a premature translational stop signal (p.Arg1041*) in the SPG11 gene. It is expected to result in an absent or disrupted protein product. Loss-of-function variants in SPG11 are known to be pathogenic (PMID: 19105190, 20110243, 22154821, 26556829).

Literature cited by the submitters: PubMed 19105190 (cited by Variantyx, Inc. and Labcorp Genetics (formerly Invitae), Labcorp); PubMed 20110243 (cited by Variantyx, Inc. and Labcorp Genetics (formerly Invitae), Labcorp); PubMed 22154821 (cited by Variantyx, Inc. and Labcorp Genetics (formerly Invitae), Labcorp); PubMed 26556829 (cited by Variantyx, Inc. and Labcorp Genetics (formerly Invitae), Labcorp); PubMed 20571989 (cited by Variantyx, Inc. and Labcorp Genetics (formerly Invitae), Labcorp); PubMed 26064709 (cited by Labcorp Genetics (formerly Invitae), Labcorp); PubMed 26183056 (cited by Labcorp Genetics (formerly Invitae), Labcorp).

NM_025137.4(SPG11):c.3121C>T (p.Arg1041Ter)

Gene: SPG11 (SPG11 vesicle trafficking associated, spatacsin; minus strand). Cytogenetic location: 15q21.1.
Variant type: single nucleotide variant.
Coding change: c.3121C>T on transcript NM_025137.4 (MANE Select); coding-DNA position 3121, C replaced by T.
Protein change: p.Arg1041Ter; replaces arginine 1041 with a stop codon.
Molecular consequence: nonsense.
Genome position (GRCh38, 1-based): chr15:44,613,454, G>A on the plus strand (C>T on the coding strand, the complement: SPG11 is on the minus strand). VCF-style: chr15-44613454-G-A. GRCh37 (hg19) VCF-style: chr15-44905652-G-A.
Other names: c.3121C>T, p.Arg1041Ter (NM_001160227.2); short protein forms R1041*.
Identifiers: ClinVar variation 639667 (VCV000639667.11), dbSNP rs771813705, ClinGen allele CA7535063.
Genomic context (GRCh38, chr15:44,613,454, plus strand): 5'-AAGCAAGTTTCTGTGTTTAATACAGTATACCCATACCTGTTAAGTTACTGGCAACTTGTC[G>A]ACACTGAACTAAAAATTCAAACCAAGGGTGTGCTTCATGTAACTCTTTTTTTTCCAAAAA-3'